The following is an entry in ClinVar:

NM_000130.5(F5):c.5167T>A (p.Ser1723Thr)

Gene: F5 (coagulation factor V; minus strand). Cytogenetic location: 1q24.2.
Variant type: single nucleotide variant.
Coding change: c.5167T>A on transcript NM_000130.5 (MANE Select); coding-DNA position 5167, T replaced by A.
Protein change: p.Ser1723Thr; replaces serine 1723 with threonine.
Molecular consequence: missense variant.
Genome position (GRCh38, 1-based): chr1:169,530,827, A>T on the plus strand (T>A on the coding strand, the complement: F5 is on the minus strand). VCF-style: chr1-169530827-A-T. GRCh37 (hg19) VCF-style: chr1-169500065-A-T.
Other names: short protein forms S1723T.
Identifiers: ClinVar variation 2630592 (VCV002630592.1), dbSNP rs2526366148, ClinGen allele CA343132413.

ClinVar aggregate classification (germline): Uncertain significance (1 of 4 stars; one submission).

Conditions:
F5-related disorder. Also called: F5-related condition.

Submission:

PreventionGenetics, part of Exact Sciences
Classification: Uncertain significance for F5-related condition. Last evaluated: 2023-02-14. Review status: criteria provided, single submitter. Criteria: ACMG Guidelines, 2015. Collection method: clinical testing. Allele origin: germline.
Comment: The F5 c.5167T>A variant is predicted to result in the amino acid substitution p.Ser1723Thr. To our knowledge, this variant has not been reported in the literature or in a large population database, indicating this variant is rare. At this time, the clinical significance of this variant is uncertain due to the absence of conclusive functional and genetic evidence.